The following is an entry in ClinVar:

NM_033004.4(NLRP1):c.2009C>T (p.Thr670Ile)

Gene: NLRP1 (NLR family pyrin domain containing 1; minus strand). Cytogenetic location: 17p13.2.
Variant type: single nucleotide variant.
Coding change: c.2009C>T on transcript NM_033004.4 (MANE Select); coding-DNA position 2009, C replaced by T.
Protein change: p.Thr670Ile; replaces threonine 670 with isoleucine.
Molecular consequence: missense variant.
Genome position (GRCh38, 1-based): chr17:5,558,687, G>A on the plus strand (C>T on the coding strand, the complement: NLRP1 is on the minus strand). VCF-style: chr17-5558687-G-A. GRCh37 (hg19) VCF-style: chr17-5462007-G-A.
Other names: p.Thr670Ile; c.2009C>T, p.Thr670Ile (NM_001033053.3, NM_014922.5, NM_033006.4 and 1 more transcripts); short protein forms T670I.
Identifiers: ClinVar variation 1120669 (VCV001120669.15), dbSNP rs61753139, ClinGen allele CA8327281.

ClinVar aggregate classification (germline): Conflicting classifications of pathogenicity. Review status: criteria provided, conflicting classifications (1 of 4 stars). 4 submissions from 4 submitters: Uncertain significance (1); Likely benign (2). 1 of the submissions does not count toward it. Last evaluated 2026-02-01.

Conditions:
NLRP1-related disorder. Also called: NLRP1-related condition.

Allele frequency attached by ClinVar (database versions not stated): ESP Exome Variant Server 0.00023; ExAC 0.00039; gnomAD 0.00040 and 0.00048; gnomAD exomes 0.00046; TOPMed 0.00063; 1000 Genomes Project 0.00100; 1000 Genomes Project 30x 0.00109.
gnomAD v4.1: 520 of 1,614,146 alleles (0.032%); highest among the groups gnomAD compares: Admixed American, 0.23%; 1 homozygote.

Submissions (4):

Labcorp Genetics (formerly Invitae), Labcorp
Classification: Likely benign. Last evaluated: 2026-02-01. Review status: criteria provided, single submitter. Criteria: Invitae Variant Classification Sherloc (09022015). Collection method: clinical testing. Allele origin: germline.

Mayo Clinic Laboratories, Mayo Clinic
Classification: Likely benign. Last evaluated: 2025-01-07. Review status: criteria provided, single submitter. Criteria: ACMG Guidelines, 2015. Collection method: clinical testing. Allele origin: germline. Observed: 1 variant allele.
Comment: BS1, BP4

GeneDx
Classification: Uncertain significance. Last evaluated: 2019-08-21. Review status: criteria provided, single submitter. Criteria: GeneDx Variant Classification Process June 2021. Collection method: clinical testing. Allele origin: germline. Affected: yes.
Comment: In silico analysis, which includes protein predictors and evolutionary conservation, supports a deleterious effect; Reported previously in an individual with multiple sclerosis who also harbored multiple other variants in NLRP1; the T670I variant did not appear to segregate with the disease phenotype in the family (Bernales et al., 2018); This variant is associated with the following publications: (PMID: 28988323)

PreventionGenetics, part of Exact Sciences
Classification: Likely benign for NLRP1-related condition. Last evaluated: 2023-07-05. Review status: no assertion criteria provided. Collection method: clinical testing. Allele origin: germline. Not counted in ClinVar's aggregate classification.
Comment: This variant is classified as likely benign based on ACMG/AMP sequence variant interpretation guidelines (Richards et al. 2015 PMID: 25741868, with internal and published modifications).